The following is an entry in ClinVar:

ClinVar aggregate classification (germline): Uncertain significance (1 of 4 stars; one submission).

Conditions:
Catecholaminergic polymorphic ventricular tachycardia 1. Also called: VENTRICULAR TACHYCARDIA, STRESS-INDUCED POLYMORPHIC 1; VENTRICULAR TACHYCARDIA, CATECHOLAMINERGIC POLYMORPHIC, 1, WITH OR WITHOUT ATRIAL DYSFUNCTION AND/OR DILATED CARDIOMYOPATHY; RYR2-Related Catecholaminergic Polymorphic Ventricular Tachycardia. Identifiers: Orphanet 3286, MedGen C1631597, MONDO:0011484, OMIM 604772.

Submission:

Labcorp Genetics (formerly Invitae), Labcorp
Classification: Uncertain significance for Catecholaminergic polymorphic ventricular tachycardia 1. Last evaluated: 2024-04-17. Review status: criteria provided, single submitter. Criteria: Invitae Variant Classification Sherloc (09022015). Collection method: clinical testing. Allele origin: germline.
Comment: This sequence change replaces proline, which is neutral and non-polar, with arginine, which is basic and polar, at codon 2606 of the RYR2 protein (p.Pro2606Arg). This variant is not present in population databases (gnomAD no frequency). This variant has not been reported in the literature in individuals affected with RYR2-related conditions. Advanced modeling of protein sequence and biophysical properties (such as structural, functional, and spatial information, amino acid conservation, physicochemical variation, residue mobility, and thermodynamic stability) performed at Invitae indicates that this missense variant is expected to disrupt RYR2 protein function with a positive predictive value of 95%. In summary, the available evidence is currently insufficient to determine the role of this variant in disease. Therefore, it has been classified as a Variant of Uncertain Significance.

NM_001035.3(RYR2):c.7817C>G (p.Pro2606Arg)

Gene: RYR2 (ryanodine receptor 2; plus strand). Cytogenetic location: 1q43.
Variant type: single nucleotide variant.
Coding change: c.7817C>G on transcript NM_001035.3 (MANE Select); coding-DNA position 7817, C replaced by G.
Protein change: p.Pro2606Arg; replaces proline 2606 with arginine.
Molecular consequence: missense variant.
Genome position (GRCh38, 1-based): chr1:237,651,494, C>G. VCF-style: chr1-237651494-C-G. GRCh37 (hg19) VCF-style: chr1-237814794-C-G.
Other names: short protein forms P2606R.
Identifiers: ClinVar variation 3693213 (VCV003693213.2).